The following is an entry in ClinVar:

ClinVar aggregate classification (germline): Conflicting classifications of pathogenicity. Review status: criteria provided, conflicting classifications (1 of 4 stars). 6 submissions from 5 submitters: Uncertain significance (1); Benign (1); Likely benign (4). Last evaluated 2025-04-23.

Conditions:
Emery-Dreifuss muscular dystrophy 4, autosomal dominant (EDMD4). Also called: EMERY-DREIFUSS MUSCULAR DYSTROPHY 4 WITH VARIABLE FEATURES. Identifiers: Orphanet 261, MedGen C2751807, MONDO:0013071, OMIM 612998.
Autosomal recessive ataxia, Beauce type. Also called: Spinocerebellar ataxia, autosomal recessive 8; SYNE1-Related Autosomal Recessive Cerebellar Ataxia; SYNE1 Deficiency; ATAXIA, RECESSIVE, OF BEAUCE. Identifiers: Orphanet 88644, MedGen C1853116, MONDO:0012549, OMIM 610743.

Allele frequency attached by ClinVar (database versions not stated): TOPMed 0.00005; gnomAD 0.00006; gnomAD exomes 0.00009; ExAC 0.00011; ESP Exome Variant Server 0.00015.
gnomAD v4.1: 140 of 1,613,746 alleles (0.0087%); highest among the groups gnomAD compares: Non-Finnish European, 0.011%; no homozygotes.

Submissions (6):

Athena Diagnostics
Classification: Likely benign. Last evaluated: 2025-04-23. Review status: criteria provided, single submitter. Criteria: Athena Diagnostics Criteria. Collection method: clinical testing. Allele origin: unknown.
Comment: Computational tools yielded predictions that this variant is unlikely to have an effect on normal RNA splicing. This nucleotide position exhibits low evolutionary conservation.

Labcorp Genetics (formerly Invitae), Labcorp
Classification: Likely benign for Emery-Dreifuss muscular dystrophy 4, autosomal dominant; Autosomal recessive ataxia, Beauce type. Last evaluated: 2025-04-23. Review status: criteria provided, single submitter. Criteria: Invitae Variant Classification Sherloc (09022015). Collection method: clinical testing. Allele origin: germline.

CeGaT Center for Human Genetics Tuebingen
Classification: Likely benign. Last evaluated: 2025-01-01. Review status: criteria provided, single submitter. Criteria: CeGaT Center For Human Genetics Tuebingen Variant Classification Criteria Version 2. Collection method: clinical testing. Allele origin: germline. Affected: yes. Observed: 1 variant allele.
Comment: SYNE1: BP4, BP7

GeneDx
Classification: Likely benign. Last evaluated: 2018-03-16. Review status: criteria provided, single submitter. Criteria: GeneDx Variant Classification (06012015). Collection method: clinical testing. Allele origin: germline. Affected: yes.
Comment: This variant is considered likely benign or benign based on one or more of the following criteria: it is a conservative change, it occurs at a poorly conserved position in the protein, it is predicted to be benign by multiple in silico algorithms, and/or has population frequency not consistent with disease.

Illumina Laboratory Services, Illumina
Classification: Uncertain significance for Autosomal recessive ataxia, Beauce type. Last evaluated: 2018-01-13. Review status: criteria provided, single submitter. Criteria: ICSL Variant Classification Criteria 13 December 2019. Collection method: clinical testing. Allele origin: germline.

Illumina Laboratory Services, Illumina
Classification: Benign for Emery-Dreifuss muscular dystrophy 4, autosomal dominant. Last evaluated: 2018-01-13. Review status: criteria provided, single submitter. Criteria: ICSL Variant Classification Criteria 13 December 2019. Collection method: clinical testing. Allele origin: germline.
Comment: This variant was observed in the ICSL laboratory as part of a predisposition screen in an ostensibly healthy population. It had not been previously curated by ICSL or reported in the Human Gene Mutation Database (HGMD: prior to June 1st, 2018), and was therefore a candidate for classification through an automated scoring system. Utilizing variant allele frequency, disease prevalence and penetrance estimates, and inheritance mode, an automated score was calculated to assess if this variant is too frequent to cause the disease. Based on the score and internal cut-off values, a variant classified as benign is not then subjected to further curation. The score for this variant resulted in a classification of benign for this disease.

NM_182961.4(SYNE1):c.336C>T (p.Thr112=)

Gene: SYNE1 (spectrin repeat containing nuclear envelope protein 1; minus strand). Cytogenetic location: 6q25.2.
Variant type: single nucleotide variant.
Coding change: c.336C>T on transcript NM_182961.4 (MANE Select); coding-DNA position 336, C replaced by T.
Protein change: p.Thr112=; no amino-acid change (threonine 112 retained).
Molecular consequence: synonymous variant.
Genome position (GRCh38, 1-based): chr6:152,511,077, G>A on the plus strand (C>T on the coding strand, the complement: SYNE1 is on the minus strand). VCF-style: chr6-152511077-G-A. GRCh37 (hg19) VCF-style: chr6-152832212-G-A.
Other names: c.357C>T, p.Thr119= (NM_033071.5); c.336C>T (NM_182961.2).
Identifiers: ClinVar variation 680885 (VCV000680885.20), dbSNP rs149008539, ClinGen allele CA4059765.